The following is an entry in ClinVar:

NM_001330260.2(SCN8A):c.5515G>A (p.Gly1839Arg)

Gene: SCN8A (sodium voltage-gated channel alpha subunit 8; plus strand). Cytogenetic location: 12q13.13.
Variant type: single nucleotide variant.
Coding change: c.5515G>A on transcript NM_001330260.2 (MANE Select); coding-DNA position 5515, G replaced by A.
Protein change: p.Gly1839Arg; replaces glycine 1839 with arginine.
Molecular consequence: missense variant.
Genome position (GRCh38, 1-based): chr12:51,807,001, G>A. VCF-style: chr12-51807001-G-A. GRCh37 (hg19) VCF-style: chr12-52200785-G-A.
Other names: c.5392G>A, p.Gly1798Arg (NM_001177984.3, NM_001369788.1); c.5515G>A, p.Gly1839Arg (NM_014191.4); short protein forms G1798R, G1839R.
Identifiers: ClinVar variation 962102 (VCV000962102.11), dbSNP rs1938720718, ClinGen allele CA384887082.

ClinVar aggregate classification (germline): Uncertain significance. Review status: criteria provided, multiple submitters, no conflicts (2 of 4 stars). 2 submissions from 2 submitters: Uncertain significance (2). Last evaluated 2024-11-08.

Conditions:
Early-infantile DEE. Also called: Ohtahara syndrome; Early infantile epileptic encephalopathy with suppression bursts; Early infantile epileptic encephalopathy. Identifiers: Orphanet 1934, MedGen C0393706, MONDO:0800491.

gnomAD v4.1: 5 of 1,614,060 alleles (0.00031%); highest among the groups gnomAD compares: East Asian, 0.0022%; no homozygotes.

Submissions (2):

GeneDx
Classification: Uncertain significance. Last evaluated: 2024-11-08. Review status: criteria provided, single submitter. Criteria: GeneDx Variant Classification Process June 2021. Collection method: clinical testing. Allele origin: germline. Affected: yes.
Comment: In silico analysis supports that this missense variant has a deleterious effect on protein structure/function; This substitution is predicted to be within the C-terminal cytoplasmic domain.; Not observed at significant frequency in large population cohorts (gnomAD); This variant is associated with the following publications: (PMID: 32725632)

Labcorp Genetics (formerly Invitae), Labcorp
Classification: Uncertain significance for Early-infantile DEE. Last evaluated: 2024-03-14. Review status: criteria provided, single submitter. Criteria: Invitae Variant Classification Sherloc (09022015). Collection method: clinical testing. Allele origin: germline.
Comment: This sequence change replaces glycine, which is neutral and non-polar, with arginine, which is basic and polar, at codon 1839 of the SCN8A protein (p.Gly1839Arg). This variant is not present in population databases (gnomAD no frequency). This missense change has been observed in individuals with clinical features of developmental and epileptic encephalopathy (PMID: 32725632; Invitae). ClinVar contains an entry for this variant (Variation ID: 962102). Advanced modeling of protein sequence and biophysical properties (such as structural, functional, and spatial information, amino acid conservation, physicochemical variation, residue mobility, and thermodynamic stability) has been performed at Invitae for this missense variant, however the output from this modeling did not meet the statistical confidence thresholds required to predict the impact of this variant on SCN8A protein function. In summary, the available evidence is currently insufficient to determine the role of this variant in disease. Therefore, it has been classified as a Variant of Uncertain Significance.

Literature cited by the submitters: PubMed 32725632 (cited by Labcorp Genetics (formerly Invitae), Labcorp).